The following is an entry in ClinVar:

ClinVar aggregate classification (germline): Uncertain significance (1 of 4 stars; one submission).

Allele frequency attached by ClinVar (database versions not stated): gnomAD exomes below 0.00001; gnomAD 0.00001.
gnomAD v4.1: 6 of 1,614,136 alleles (0.00037%); highest among the groups gnomAD compares: Non-Finnish European, 0.00034%; no homozygotes.

Submission:

Labcorp Genetics (formerly Invitae), Labcorp
Classification: Uncertain significance. Last evaluated: 2022-12-15. Review status: criteria provided, single submitter. Criteria: Invitae Variant Classification Sherloc (09022015). Collection method: clinical testing. Allele origin: germline.
Comment: This variant has not been reported in the literature in individuals affected with UMOD-related conditions. Advanced modeling of protein sequence and biophysical properties (such as structural, functional, and spatial information, amino acid conservation, physicochemical variation, residue mobility, and thermodynamic stability) performed at Invitae indicates that this missense variant is not expected to disrupt UMOD protein function. Algorithms developed to predict the effect of sequence changes on RNA splicing suggest that this variant may create or strengthen a splice site. In summary, the available evidence is currently insufficient to determine the role of this variant in disease. Therefore, it has been classified as a Variant of Uncertain Significance. This variant is not present in population databases (gnomAD no frequency). This sequence change replaces tyrosine, which is neutral and polar, with aspartic acid, which is acidic and polar, at codon 569 of the UMOD protein (p.Tyr569Asp).

NM_003361.4(UMOD):c.1705T>G (p.Tyr569Asp)

Gene: UMOD (uromodulin; minus strand). Cytogenetic location: 16p12.3.
Variant type: single nucleotide variant.
Coding change: c.1705T>G on transcript NM_003361.4 (MANE Select); coding-DNA position 1705, T replaced by G.
Protein change: p.Tyr569Asp; replaces tyrosine 569 with aspartic acid.
Molecular consequence: missense variant. On other transcripts: non-coding transcript variant (1).
Genome position (GRCh38, 1-based): chr16:20,337,326, A>C on the plus strand (T>G on the coding strand, the complement: UMOD is on the minus strand). VCF-style: chr16-20337326-A-C. GRCh37 (hg19) VCF-style: chr16-20348648-A-C.
Other names: c.1705T>G, p.Tyr569Asp (NM_001008389.3, NM_001378232.1, NM_001378233.1); c.1804T>G, p.Tyr602Asp (NM_001278614.2); c.1846T>G, p.Tyr616Asp (NM_001378234.1, NM_001378235.1); short protein forms Y602D, Y616D, Y569D.
Identifiers: ClinVar variation 3014159 (VCV003014159.3), dbSNP rs1964935406, ClinGen allele CA394980931.
Genomic context (GRCh38, chr16:20,337,326, plus strand): 5'-GGCTGGGGGAGGGGAGTCAACTCACAGGCTTGCACTTTTCATTCATGGTGTCACAGAGAT[A>C]GACTTCACAGTGCAGGTAGACTAGGTCATAGTTTCCAGCAAACCGGAACATCTGGACGGA-3'
Protein context (NP_003352.2, residues 559-579): YDLVYLHCEV[Tyr569Asp]LCDTMNEKCK